The following is an entry in ClinVar:

ClinVar aggregate classification (germline): Likely pathogenic (1 of 4 stars; one submission).

Conditions:
Peeling skin syndrome 6 (PSS6). Identifiers: MedGen C4748093, MONDO:0054852, OMIM 618084.

Submission:

First Genomix Gene Laboratory, Genetic Diagnostics Department
Classification: Likely pathogenic for Peeling skin syndrome 6. Last evaluated: 2025-06-04. Review status: criteria provided, single submitter. Criteria: ACMG Guidelines, 2015. Collection method: clinical testing. Allele origin: germline. Inheritance: Autosomal recessive inheritance. Affected: no. Observed: 1 variant allele.

NM_001014342.3(FLG2):c.58A>T (p.Lys20Ter)

Genes: CCDST (cervical cancer associated DHX9 suppressive transcript; plus strand), FLG2 (filaggrin 2; minus strand). Cytogenetic location: 1q21.3.
Variant type: single nucleotide variant.
Coding change: c.58A>T on transcript NM_001014342.3 (MANE Select); coding-DNA position 58, A replaced by T.
Protein change: p.Lys20Ter; replaces lysine 20 with a stop codon.
Molecular consequence: nonsense.
Genome position (GRCh38, 1-based): chr1:152,358,827, T>A on the plus strand (A>T on the coding strand, the complement: FLG2 is on the minus strand). VCF-style: chr1-152358827-T-A. GRCh37 (hg19) VCF-style: chr1-152331303-T-A.
Other names: short protein forms K20*.
Identifiers: ClinVar variation 4849429 (VCV004849429.1).